The following is an entry in ClinVar:

ClinVar aggregate classification (germline): Likely benign. Review status: criteria provided, single submitter (1 of 4 stars). 2 submissions from 2 submitters: Likely benign (1). 1 of the submissions does not count toward it. Last evaluated 2022-09-01.

Conditions:
Alzheimer disease 3 (AD3). Also called: ALZHEIMER DISEASE, FAMILIAL, 3. Identifiers: Orphanet 1020, MedGen C1843013, MONDO:0011913, OMIM 607822.
Pick disease. Also called: DEMENTIA WITH LOBAR ATROPHY AND NEURONAL CYTOPLASMIC INCLUSIONS; LOBAR ATROPHY OF BRAIN; PICK DISEASE OF BRAIN; Pick's disease; Pick Disease of the Brain. Identifiers: Orphanet 282, MedGen C0236642, MONDO:0008243, OMIM 172700.
Acne inversa, familial, 3 (ACNINV3). Identifiers: MedGen C3151038, MONDO:0013398, OMIM 613737.
Frontotemporal dementia (FTD1). Also called: Frontotemporal lobe dementia (FLDEM); WILHELMSEN-LYNCH DISEASE; FRONTOTEMPORAL DEMENTIA WITH PARKINSONISM; FRONTOTEMPORAL LOBE DEMENTIA; MULTIPLE SYSTEM TAUOPATHY WITH PRESENILE DEMENTIA; FRONTOTEMPORAL LOBAR DEGENERATION WITH TAU INCLUSIONS. Identifiers: Orphanet 282, MedGen C0338451, MONDO:0017276, OMIM 600274, HP:0002145.
PSEN1-related disorder. Also called: PSEN1-related condition.

Allele frequency attached by ClinVar (database versions not stated): gnomAD 0.00001; gnomAD exomes 0.00001; ExAC 0.00002; TOPMed 0.00002.
gnomAD v4.1: 15 of 1,586,174 alleles (0.00095%); highest among the groups gnomAD compares: Non-Finnish European, 0.0012%; no homozygotes.

Submissions (2):

Labcorp Genetics (formerly Invitae), Labcorp
Classification: Likely benign for Alzheimer disease 3; Pick disease; Acne inversa, familial, 3; Frontotemporal dementia. Last evaluated: 2022-09-01. Review status: criteria provided, single submitter. Criteria: Invitae Variant Classification Sherloc (09022015). Collection method: clinical testing. Allele origin: germline.

PreventionGenetics, part of Exact Sciences
Classification: Likely benign for PSEN1-related condition. Last evaluated: 2019-11-12. Review status: no assertion criteria provided. Collection method: clinical testing. Allele origin: germline. Not counted in ClinVar's aggregate classification.
Comment: This variant is classified as likely benign based on ACMG/AMP sequence variant interpretation guidelines (Richards et al. 2015 PMID: 25741868, with internal and published modifications).

NM_000021.4(PSEN1):c.774A>G (p.Leu258=)

Gene: PSEN1 (presenilin 1; plus strand). Cytogenetic location: 14q24.2.
Variant type: single nucleotide variant.
Coding change: c.774A>G on transcript NM_000021.4 (MANE Select); coding-DNA position 774, A replaced by G.
Protein change: p.Leu258=; no amino-acid change (leucine 258 retained).
Molecular consequence: synonymous variant.
Genome position (GRCh38, 1-based): chr14:73,198,035, A>G. VCF-style: chr14-73198035-A-G. GRCh37 (hg19) VCF-style: chr14-73664743-A-G.
Other names: c.774A>G (NM_000021.3); c.762A>G, p.Leu254= (NM_007318.3).
Identifiers: ClinVar variation 2193368 (VCV002193368.6), dbSNP rs201775747, ClinGen allele CA7256819.
Genomic context (GRCh38, chr14:73,198,035, plus strand): 5'-TTACAAGTTTAGCCCATACATTTTATTAGATGTCTTTTATGTTTTTCTTTTTCTAGATTT[A>G]GTGGCTGTTTTGTGTCCGAAAGGTCCACTTCGTATGCTGGTTGAAACAGCTCAGGAGAGA-3'
Protein context (NP_000012.1, residues 248-268): LILAVISVYD[Leu258=]VAVLCPKGPL